The following is an entry in ClinVar:

ClinVar aggregate classification (germline): Uncertain significance (1 of 4 stars; one submission).

Submission:

Athena Diagnostics
Classification: Uncertain significance. Last evaluated: 2024-12-06. Review status: criteria provided, single submitter. Criteria: Athena Diagnostics Criteria. Collection method: clinical testing. Allele origin: unknown.
Comment: Available data are insufficient to determine the clinical significance of the variant at this time. This variant has not been reported in large, multi-ethnic general populations. SIFT and Polyphen yielded discordant predictions regarding whether this amino acid change is damaging to the protein.

NM_006158.5(NEFL):c.161_162delinsTT (p.Arg54Leu)

Gene: NEFL (neurofilament light chain; minus strand). Cytogenetic location: 8p21.2.
Variant type: Indel.
Coding change: c.161_162delinsTT on transcript NM_006158.5 (MANE Select); coding-DNA positions 161 to 162, GC replaced by TT.
Protein change: p.Arg54Leu; replaces arginine 54 with leucine.
Molecular consequence: missense variant.
Genome position (GRCh38, 1-based): chr8:24,956,354-24,956,355, GC replaced by AA on the plus strand (GC replaced by TT on the coding strand, the reverse complement: NEFL is on the minus strand). VCF-style: chr8-24956354-GC-AA. GRCh37 (hg19) VCF-style: chr8-24813868-GC-AA.
Other names: c.161_162delGCinsTT, p.Arg54Leu (NM_006158.4); short protein forms R54L.
Identifiers: ClinVar variation 3571792 (VCV003571792.2).
Genomic context (GRCh38, chr8:24,956,354, plus strand): 5'-GCTCAGGTCGAGGTTCTCCAGACTGGGCATCAACGATCCAGAGCTGGAGGAGTAGCTGCG[GC>AA]GCACGGACAGCGAGGAAGACACCGGCGCCGAGTAGCTGGAGTAAGCTGAGCGTGCGGTGC-3'
Protein context (NP_006149.2, residues 44-64): SAPVSSSLSV[Arg54Leu]RSYSSSSGSL